The following is an entry in ClinVar:

NM_001164508.2(NEB):c.18444C>A (p.Ser6148=)

Gene: NEB (nebulin; minus strand). Cytogenetic location: 2q23.3.
Variant type: single nucleotide variant.
Coding change: c.18444C>A on transcript NM_001164508.2 (MANE Select); coding-DNA position 18444, C replaced by A.
Protein change: p.Ser6148=; no amino-acid change (serine 6148 retained).
Molecular consequence: synonymous variant.
Genome position (GRCh38, 1-based): chr2:151,565,071, G>T on the plus strand (C>A on the coding strand, the complement: NEB is on the minus strand). VCF-style: chr2-151565071-G-T. GRCh37 (hg19) VCF-style: chr2-152421585-G-T.
Other names: c.18444C>A, p.Ser6148= (NM_001164507.2, NM_001271208.2); c.13341C>A, p.Ser4447= (NM_004543.5).
Identifiers: ClinVar variation 3348439 (VCV003348439.1).
Genomic context (GRCh38, chr2:151,565,071, plus strand): 5'-AATTGAGTGGTTATTACATAAAAGAGAACTTACAGTACTGTAGAGTTTTCCCATGTCTTT[G>T]GAGTGGGAGATATGTGGTGTATCTGGTGAAAACGTATATTTGCCCTTTGCTTTATTAAAT-3'
Protein context (NP_001157980.2, residues 6138-6158): FSPDTPHISH[Ser6148=]KDMGKLYSTI

ClinVar aggregate classification (germline): Likely benign (0 of 4 stars; one submission).

Conditions:
NEB-related disorder. Also called: NEB-related condition; NEB-Related Disorders.

Submission:

PreventionGenetics, part of Exact Sciences
Classification: Likely benign for NEB-related condition. Last evaluated: 2024-06-17. Review status: no assertion criteria provided. Collection method: clinical testing. Allele origin: germline.
Comment: This variant is classified as likely benign based on ACMG/AMP sequence variant interpretation guidelines (Richards et al. 2015 PMID: 25741868, with internal and published modifications).